The following is an entry in ClinVar:

ClinVar aggregate classification (germline): Likely pathogenic (1 of 4 stars; one submission).

Conditions:
Fanconi anemia (FA). Also called: Fanconi's anemia. Identifiers: Orphanet 84, MedGen C0015625, MeSH D005199, MONDO:0019391.

Submission:

Labcorp Genetics (formerly Invitae), Labcorp
Classification: Likely pathogenic for Fanconi anemia. Last evaluated: 2019-04-04. Review status: criteria provided, single submitter. Criteria: Invitae Variant Classification Sherloc (09022015). Collection method: clinical testing. Allele origin: germline.
Comment: This variant results in a copy number gain of the genomic region encompassing exons 29-30 of the FANCA gene. While the exact position of this variant cannot be determined from this data, sub-genic copy number gains are generally in tandem (PMID: 25640679) and may result in an absent or disrupted protein product. This variant has not been reported in the literature in individuals with FANCA-related conditions. In summary, the currently available evidence indicates that the variant is pathogenic, but additional data are needed to prove that conclusively. Therefore, this variant has been classified as Likely Pathogenic. Loss-of-function variants in FANCA are known to be pathogenic (PMID: 19367192).

Literature cited by the submitters: PubMed 25640679; PubMed 19367192.

NC_000016.10:g.(?_89758567)_(89762032_?)dup

Gene: FANCA (FA complementation group A; minus strand). Cytogenetic location: 16q24.3.
Variant type: Duplication.
Identifiers: ClinVar variation 831077 (VCV000831077.5).